The following is an entry in ClinVar:

NM_003051.4(SLC16A1):c.1076A>T (p.Tyr359Phe)

Gene: SLC16A1 (solute carrier family 16 member 1; minus strand). Cytogenetic location: 1p13.2.
Variant type: single nucleotide variant.
Coding change: c.1076A>T on transcript NM_003051.4 (MANE Select); coding-DNA position 1076, A replaced by T.
Protein change: p.Tyr359Phe; replaces tyrosine 359 with phenylalanine.
Molecular consequence: missense variant.
Genome position (GRCh38, 1-based): chr1:112,917,330, T>A on the plus strand (A>T on the coding strand, the complement: SLC16A1 is on the minus strand). VCF-style: chr1-112917330-T-A. GRCh37 (hg19) VCF-style: chr1-113459952-T-A.
Other names: c.1076A>T, p.Tyr359Phe (NM_001166496.2); c.1076A>T (NM_003051.3); short protein forms Y359F.
Identifiers: ClinVar variation 2786082 (VCV002786082.4), dbSNP rs1226416477, ClinGen allele CA341827590.
Genomic context (GRCh38, chr1:112,917,330, plus strand): 5'-ATCAATGTTTCAAACAATACGGAGCTGAGCCACCCGAAGGCAAATCCAAAGAATCCCGCA[T>A]AGACACAGAATCCAACATAGGTAGTGGATAAAGGTGCTAGCATATGACACACTCCATTTG-3'
Protein context (NP_003042.3, residues 349-369): LSTTYVGFCV[Tyr359Phe]AGFFGFAFGW

ClinVar aggregate classification (germline): Uncertain significance. Review status: criteria provided, multiple submitters, no conflicts (2 of 4 stars). 2 submissions from 2 submitters: Uncertain significance (2). Last evaluated 2025-08-24.

Conditions:
Inborn genetic diseases. Identifiers: MedGen C0950123, MeSH D030342.

gnomAD v4.1: 5 of 1,614,162 alleles (0.00031%); highest among the groups gnomAD compares: Non-Finnish European, 0.00042%; no homozygotes.

Submissions (2):

Ambry Genetics
Classification: Uncertain significance for Inborn genetic diseases. Last evaluated: 2025-08-24. Review status: criteria provided, single submitter. Criteria: Ambry Variant Classification Scheme 2023. Collection method: clinical testing. Allele origin: germline.

Labcorp Genetics (formerly Invitae), Labcorp
Classification: Uncertain significance. Last evaluated: 2023-12-11. Review status: criteria provided, single submitter. Criteria: Invitae Variant Classification Sherloc (09022015). Collection method: clinical testing. Allele origin: germline.
Comment: This sequence change replaces tyrosine, which is neutral and polar, with phenylalanine, which is neutral and non-polar, at codon 359 of the SLC16A1 protein (p.Tyr359Phe). This variant is present in population databases (no rsID available, gnomAD 0.002%). This variant has not been reported in the literature in individuals affected with SLC16A1-related conditions. An algorithm developed to predict the effect of missense changes on protein structure and function (PolyPhen-2) suggests that this variant is likely to be disruptive. In summary, the available evidence is currently insufficient to determine the role of this variant in disease. Therefore, it has been classified as a Variant of Uncertain Significance.